The following is an entry in ClinVar:

NM_001005273.3(CHD3):c.1331A>T (p.Glu444Val)

Gene: CHD3 (chromodomain helicase DNA binding protein 3; plus strand). Cytogenetic location: 17p13.1.
Variant type: single nucleotide variant.
Coding change: c.1331A>T on transcript NM_001005273.3 (MANE Select); coding-DNA position 1331, A replaced by T.
Protein change: p.Glu444Val; replaces glutamic acid 444 with valine.
Molecular consequence: missense variant.
Genome position (GRCh38, 1-based): chr17:7,894,978, A>T. VCF-style: chr17-7894978-A-T. GRCh37 (hg19) VCF-style: chr17-7798296-A-T.
Other names: c.1508A>T, p.Glu503Val (NM_001005271.3); c.1331A>T, p.Glu444Val (NM_005852.4); short protein forms E444V, E503V.
Identifiers: ClinVar variation 2647426 (VCV002647426.24), dbSNP rs2544830077, ClinGen allele CA397939103.

ClinVar aggregate classification (germline): Uncertain significance (1 of 4 stars; one submission).

Submission:

CeGaT Center for Human Genetics Tuebingen
Classification: Uncertain significance. Last evaluated: 2022-08-01. Review status: criteria provided, single submitter. Criteria: CeGaT Center For Human Genetics Tuebingen Variant Classification Criteria Version 2. Collection method: clinical testing. Allele origin: germline. Affected: yes. Observed: 1 variant allele.
Comment: CHD3: PM2, BP4